The following is an entry in ClinVar:

NM_002907.4(RECQL):c.1350A>G (p.Ile450Met)

Gene: RECQL (RecQ like helicase; minus strand). Cytogenetic location: 12p12.1.
Variant type: single nucleotide variant.
Coding change: c.1350A>G on transcript NM_002907.4 (MANE Select); coding-DNA position 1350, A replaced by G.
Protein change: p.Ile450Met; replaces isoleucine 450 with methionine.
Molecular consequence: missense variant.
Genome position (GRCh38, 1-based): chr12:21,474,846, T>C on the plus strand (A>G on the coding strand, the complement: RECQL is on the minus strand). VCF-style: chr12-21474846-T-C. GRCh37 (hg19) VCF-style: chr12-21627780-T-C.
Other names: c.1350A>G, p.Ile450Met (NM_032941.3); short protein forms I450M.
Identifiers: ClinVar variation 1770586 (VCV001770586.2), dbSNP rs2540340193, ClinGen allele CA384118127.
Genomic context (GRCh38, chr12:21,474,846, plus strand): 5'-TATACTTTCATATTTGCTTTAATTGATAAAAGTTATAAAAAGGTATGTGGCTTACTTGCT[T>C]ATGTTTTGACAGTATGATACCATCTCATAAAGCTTCTGCTGTCCCACATTTTCCATCACC-3'
Protein context (NP_002898.2, residues 440-460): LYEMVSYCQN[Ile450Met]SKCRRVLMAQ

ClinVar aggregate classification (germline): Uncertain significance (1 of 4 stars; one submission).

Allele frequency attached by ClinVar (database versions not stated): gnomAD exomes below 0.00001.
gnomAD v4.1: 1 of 1,612,426 alleles (0.000062%); highest among the groups gnomAD compares: Non-Finnish European, 0.000085%; no homozygotes.

Submission:

Ambry Genetics
Classification: Uncertain significance. Last evaluated: 2024-03-21. Review status: criteria provided, single submitter. Criteria: Ambry Variant Classification Scheme 2023. Collection method: clinical testing. Allele origin: germline.
Comment: The p.I450M variant (also known as c.1350A>G), located in coding exon 10 of the RECQL gene, results from an A to G substitution at nucleotide position 1350. The isoleucine at codon 450 is replaced by methionine, an amino acid with highly similar properties. This amino acid position is not well conserved in available vertebrate species. In addition, this alteration is predicted to be tolerated by in silico analysis. Since supporting evidence is limited at this time, the clinical significance of this alteration remains unclear.